The following is an entry in ClinVar:

NM_001162501.2(TNRC6B):c.3193_3194del (p.Gln1065fs)

Gene: TNRC6B (trinucleotide repeat containing adaptor 6B; plus strand). Cytogenetic location: 22q13.1.
Variant type: Deletion.
Coding change: c.3193_3194del on transcript NM_001162501.2 (MANE Select); coding-DNA positions 3193 to 3194, 2 bases deleted (CA; older notation c.3193_3194delCA).
Protein change: p.Gln1065fs; shifts the reading frame from glutamine 1065.
Molecular consequence: frameshift variant.
Genome position (GRCh38, 1-based): chr22:40,277,128-40,277,129, CA deleted; deleting any 2 consecutive bases within chr22:40,277,127-40,277,129 gives the same sequence; the c. name uses the placement nearest the transcript's 3' end. VCF-style (leftmost placement, unchanged base first): chr22-40277126-AAC-A. GRCh37 (hg19) VCF-style: chr22-40673130-AAC-A.
Other names: c.952_953del, p.Gln318fs (NM_001024843.2); c.3034_3035del, p.Gln1012fs (NM_015088.3); short protein forms Q1012fs, Q1065fs, Q318fs.
Identifiers: ClinVar variation 3255081 (VCV003255081.2), dbSNP rs2518000703.

ClinVar aggregate classification (germline): Pathogenic (1 of 4 stars; one submission).

Conditions:
Global developmental delay with speech and behavioral abnormalities. Identifiers: MedGen C5543226, MONDO:0030995, OMIM 619243.

Submission:

Victorian Clinical Genetics Services, Murdoch Childrens Research Institute
Classification: Pathogenic for Global developmental delay with speech and behavioral abnormalities. Last evaluated: 2024-09-20. Review status: criteria provided, single submitter. Criteria: ACMG Guidelines, 2015. Collection method: clinical testing. Allele origin: germline. Inheritance: Autosomal dominant inheritance. Affected: yes.
Comment: Based on the classification scheme VCGS_Germline_v1.3.4, this variant is classified as Pathogenic. Following criteria are met: 0102 - Loss of function is a known mechanism of disease in this gene and is associated with global developmental delay with speech and behavioural abnormalities (MIM#619243). (I) 0107 - This gene is associated with autosomal dominant disease. (I) 0115 - Variants in this gene are known to have variable expressivity, where parents of affected individuals were only mildly affected (PMID: 32152250). (I) 0201 - Variant is predicted to cause nonsense-mediated decay (NMD) and loss of protein (premature termination codon is located at least 54 nucleotides upstream of the final exon-exon junction). (SP) 0251 - This variant is heterozygous. (I) 0301 - Variant is absent from gnomAD (both v2 and v3). (SP) 0701 - Other NMD-predicted variants comparable to the one identified in this case have very strong previous evidence for pathogenicity. These variants have been mostly reported as de novo; however, variants inherited from mildly affected parents have also been reported (PMID: 32152250, DECIPHER). (SP) 0807 - This variant has no previous evidence of pathogenicity. (I) 0905 - No published segregation evidence has been identified for this variant. (I) 1007 - No published functional evidence has been identified for this variant. (I) Legend: (SP) - Supporting pathogenic, (I) - Information, (SB) - Supporting benign

Literature cited by the submitters: PubMed 32152250.